The following is an entry in ClinVar:

NM_015001.3(SPEN):c.2899G>C (p.Glu967Gln)

Gene: SPEN (spen family transcriptional repressor; plus strand). Cytogenetic location: 1p36.13.
Variant type: single nucleotide variant.
Coding change: c.2899G>C on transcript NM_015001.3 (MANE Select); coding-DNA position 2899, G replaced by C.
Protein change: p.Glu967Gln; replaces glutamic acid 967 with glutamine.
Molecular consequence: missense variant.
Genome position (GRCh38, 1-based): chr1:15,929,139, G>C. VCF-style: chr1-15929139-G-C. GRCh37 (hg19) VCF-style: chr1-16255634-G-C.
Other names: short protein forms E967Q.
Identifiers: ClinVar variation 4076203 (VCV004076203.3).

ClinVar aggregate classification (germline): Uncertain significance. Review status: criteria provided, multiple submitters, no conflicts (2 of 4 stars). 2 submissions from 2 submitters: Uncertain significance (2). Last evaluated 2026-01-15.

Conditions:
Radio-Tartaglia syndrome. Identifiers: Orphanet 662234, MedGen C5543339, MONDO:0859143, OMIM 619312.

Submissions (2):

Dasa
Classification: Uncertain significance. Last evaluated: 2026-01-15. Review status: criteria provided, single submitter. Criteria: DASA Assertion Criteria. Collection method: clinical testing. Allele origin: germline.
Comment: NM_015001.3(SPEN):c.2899G>C (p.Glu967Gln) is a missense variant that results in the substitution of glutamic acid with glutamine. This variant is rare in population databases. The currently available literature and clinical evidence are not sufficient to establish a definitive association between this variant and the reported condition. Therefore, this variant is classified as a variant of uncertain significance.

Laboratorio de Genetica e Diagnostico Molecular, Hospital Israelita Albert Einstein
Classification: Uncertain significance for Radio-Tartaglia syndrome. Last evaluated: 2023-09-27. Review status: criteria provided, single submitter. Criteria: ACMG Guidelines, 2015. Collection method: clinical testing. Allele origin: germline. Affected: yes.
Comment: ACMG classification criteria: PM2 moderate, BP4 supporting